The following is an entry in ClinVar:

ClinVar aggregate classification (germline): Uncertain significance (1 of 4 stars; one submission).

Conditions:
Hereditary spastic paraplegia 39 (SPG39). Also called: Spastic Paraplegia Type 39 (SPG39); SPASTIC PARAPLEGIA 39, AUTOSOMAL RECESSIVE. Identifiers: Orphanet 139480, MedGen C2677586, MONDO:0012787, OMIM 612020.

Submission:

Labcorp Genetics (formerly Invitae), Labcorp
Classification: Uncertain significance for Hereditary spastic paraplegia 39. Last evaluated: 2022-04-15. Review status: criteria provided, single submitter. Criteria: Invitae Variant Classification Sherloc (09022015). Collection method: clinical testing. Allele origin: germline.
Comment: In summary, the available evidence is currently insufficient to determine the role of this variant in disease. Therefore, it has been classified as a Variant of Uncertain Significance. Algorithms developed to predict the effect of missense changes on protein structure and function are either unavailable or do not agree on the potential impact of this missense change (SIFT: "Tolerated"; PolyPhen-2: "Possibly Damaging"; Align-GVGD: "Class C0"). This variant has not been reported in the literature in individuals affected with PNPLA6-related conditions. This variant is not present in population databases (gnomAD no frequency). This sequence change replaces glycine, which is neutral and non-polar, with cysteine, which is neutral and slightly polar, at codon 1322 of the PNPLA6 protein (p.Gly1322Cys).

NM_001166114.2(PNPLA6):c.4078G>T (p.Gly1360Cys)

Gene: PNPLA6 (patatin like domain 6, lysophospholipase; plus strand). Cytogenetic location: 19p13.2.
Variant type: single nucleotide variant.
Coding change: c.4078G>T on transcript NM_001166114.2 (MANE Select); coding-DNA position 4078, G replaced by T.
Protein change: p.Gly1360Cys; replaces glycine 1360 with cysteine.
Molecular consequence: missense variant.
Genome position (GRCh38, 1-based): chr19:7,561,542, G>T. VCF-style: chr19-7561542-G-T. GRCh37 (hg19) VCF-style: chr19-7626428-G-T.
Other names: c.4108G>T, p.Gly1370Cys (NM_001166111.2); c.3883G>T, p.Gly1295Cys (NM_001166112.2); c.3964G>T, p.Gly1322Cys (NM_001166113.1, NM_006702.5); short protein forms G1360C, G1370C, G1295C, G1322C.
Identifiers: ClinVar variation 2126598 (VCV002126598.4), dbSNP rs145178162, ClinGen allele CA403140024.
Genomic context (GRCh38, chr19:7,561,542, plus strand): 5'-TCGCAGGAGGAGGAGAAGTCGATTCTCCGGCAACGACGCTGTCTGCCCCAGGAGCCGCCC[G>T]GCTCAGCCACAGATGCCTGAGGACCTCGACAGGGGTCACCCCCTCCCTCCCACCCCTGGA-3'
Protein context (NP_001159586.1, residues 1350-1365): QRRCLPQEPP[Gly1360Cys]SATDA